The following is an entry in ClinVar:

NM_001042492.3(NF1):c.2325+1del

Gene: NF1 (neurofibromin 1; plus strand). Cytogenetic location: 17q11.2.
Variant type: Deletion.
Coding change: c.2325+1del on transcript NM_001042492.3 (MANE Select); the canonical splice donor site of the intron after coding-DNA position 2325, one base deleted (G; older notation c.2325+1delG).
Molecular consequence: splice donor variant.
Genome position (GRCh38, 1-based): chr17:31,227,292, G deleted; the last of 2 consecutive G bases (chr17:31,227,291-31,227,292); deleting either gives the same sequence. VCF-style (leftmost placement, unchanged base first): chr17-31227290-AG-A. GRCh37 (hg19) VCF-style: chr17-29554308-AG-A.
Other names: c.2325+1del (NM_000267.4).
Identifiers: ClinVar variation 3382369 (VCV003382369.2).
Genomic context (GRCh38, chr17:31,227,290, plus strand): 5'-TTCAGAAAAGAGTGATGGCACTGCTGAGGCGCATTGAGCATCCCACTGCAGGAAACACTG[AG>A]GTATGCCCTTAGCAACAGAAACACCCCTCCCAGGCGCCCACCCTCAATTTGGAAGCCTCT-3'

ClinVar aggregate classification (germline): Pathogenic (1 of 4 stars; one submission).

Conditions:
Neurofibromatosis, familial spinal (FSNF). Identifiers: Orphanet 636, MedGen C1834235, MONDO:0008078, OMIM 162210. Disease mechanism: loss of function.
Neurofibromatosis-Noonan syndrome (NFNS). Also called: NEUROFIBROMATOSIS WITH NOONAN PHENOTYPE. Identifiers: Orphanet 638, MedGen C2931482, MONDO:0011035, OMIM 601321. Disease mechanism: loss of function.
Neurofibromatosis, type 1 (NF1). Also called: Neurofibromatosis, type I; VON RECKLINGHAUSEN DISEASE; NEUROFIBROMATOSIS, TYPE I, SOMATIC; Peripheral type neurofibromatosis. Identifiers: Orphanet 636, MedGen C0027831, MONDO:0018975, OMIM 162200. Disease mechanism: loss of function.
Café-au-lait macules with pulmonary stenosis (WTSN). Also called: PULMONIC STENOSIS WITH CAFE-AU-LAIT SPOTS. Identifiers: MedGen C0553586, MONDO:0008672, OMIM 193520.
Juvenile myelomonocytic leukemia (JMML). Also called: LEUKEMIA, JUVENILE MYELOMONOCYTIC, SOMATIC. Identifiers: Orphanet 86834, MedGen C0349639, MONDO:0011908, OMIM 607785, HP:0012209.

Submission:

Juno Genomics, Hangzhou Juno Genomics, Inc
Classification: Pathogenic for Neurofibromatosis, type 1; Juvenile myelomonocytic leukemia; Neurofibromatosis, familial spinal; Neurofibromatosis-Noonan syndrome; Café-au-lait macules with pulmonary stenosis. Review status: criteria provided, single submitter. Criteria: ACMG Guidelines, 2015. Collection method: clinical testing. Allele origin: germline. Affected: yes.
Comment: Absent from controls (or at extremely low frequency if recessive) in Genome Aggregation Database, Exome Sequencing Project, 1000 Genomes Project, or Exome Aggregation Consortium.;Null variant in a gene where loss of function (LOF) is a known mechanism of disease.;Patient's phenotype or family history is highly specific for a disease with a single genetic etiology.